The following is an entry in ClinVar:

ClinVar aggregate classification (germline): Pathogenic (1 of 4 stars; one submission).

Submission:

Labcorp Genetics (formerly Invitae), Labcorp
Classification: Pathogenic. Last evaluated: 2025-04-08. Review status: criteria provided, single submitter. Criteria: Invitae Variant Classification Sherloc (09022015). Collection method: clinical testing. Allele origin: germline.
Comment: This sequence change creates a premature translational stop signal (p.Pro1551Argfs*51) in the KMT2E gene. While this is not anticipated to result in nonsense mediated decay, it is expected to disrupt the last 308 amino acid(s) of the KMT2E protein. This variant is not present in population databases (gnomAD no frequency). This variant has not been reported in the literature in individuals affected with KMT2E-related conditions. This variant disrupts a region of the KMT2E protein in which other variant(s) (p.Pro1683_Pro1694del) have been determined to be pathogenic (internal data). This suggests that this is a clinically significant region of the protein, and that variants that disrupt it are likely to be disease-causing. For these reasons, this variant has been classified as Pathogenic.

NM_182931.3(KMT2E):c.4650_4659del (p.Pro1551fs)

Gene: KMT2E (lysine methyltransferase 2E (inactive); plus strand). Cytogenetic location: 7q22.3.
Variant type: Deletion.
Coding change: c.4650_4659del on transcript NM_182931.3 (MANE Select); coding-DNA positions 4650 to 4659, 10 bases deleted (ACCTCCTTCT; older notation c.4650_4659delACCTCCTTCT).
Protein change: p.Pro1551fs; shifts the reading frame from proline 1551.
Molecular consequence: frameshift variant.
Genome position (GRCh38, 1-based): chr7:105,112,406-105,112,415, ACCTCCTTCT deleted. VCF-style (leftmost placement, unchanged base first): chr7-105112405-CACCTCCTTCT-C. GRCh37 (hg19) VCF-style: chr7-104752852-CACCTCCTTCT-C.
Other names: c.4524_4533del, p.Pro1509fs (NM_001410908.1); c.4650_4659del, p.Pro1551fs (NM_018682.4); short protein forms P1509fs, P1551fs.
Identifiers: ClinVar variation 4716825 (VCV004716825.1).